The following is an entry in ClinVar:

NM_001267550.2(TTN):c.36280G>A (p.Val12094Met)

Gene: TTN (titin; minus strand). Cytogenetic location: 2q31.2.
Variant type: single nucleotide variant.
Coding change: c.36280G>A on transcript NM_001267550.2 (MANE Select); coding-DNA position 36280, G replaced by A.
Protein change: p.Val12094Met; replaces valine 12094 with methionine.
Molecular consequence: missense variant. On other transcripts: intron variant (5).
Genome position (GRCh38, 1-based): chr2:178,664,460, C>T on the plus strand (G>A on the coding strand, the complement: TTN is on the minus strand). VCF-style: chr2-178664460-C-T. GRCh37 (hg19) VCF-style: chr2-179529187-C-T.
Other names: c.13283-22143G>A (NM_003319.4); c.13859-22143G>A (NM_133437.4); c.13658-22143G>A (NM_133432.3); c.31484-1405G>A (NM_133378.4); c.34265-1405G>A (NM_001256850.1); short protein forms V12094M.
Identifiers: ClinVar variation 2943507 (VCV002943507.3), dbSNP rs753213447, ClinGen allele CA1997589.
Genomic context (GRCh38, chr2:178,664,460, plus strand): 5'-GGTGGTCCTTTCTATCGCCCCACCCACTATCCCACCATAAAAAGACAGTTAAGAATGTAC[C>T]TTTGACAGGTACAACTTCAGCCCTTTGGGGAGGATGCACTTTCTTTTCCGGGACAACTTC-3'
Protein context (NP_001254479.2, residues 12084-12104): PQRAEVVPVK[Val12094Met]HEAPKEIIPE

ClinVar aggregate classification (germline): Uncertain significance (1 of 4 stars; one submission).

Conditions:
Dilated cardiomyopathy 1G (CMD1G). Identifiers: Orphanet 154, MedGen C1858763, MONDO:0011400, OMIM 604145.
Autosomal recessive limb-girdle muscular dystrophy type 2J (LGMDR10). Also called: MUSCULAR DYSTROPHY, LIMB-GIRDLE, AUTOSOMAL RECESSIVE 10; Limb-girdle muscular dystrophy, type 2J. Identifiers: Orphanet 140922, MedGen C1837342, MONDO:0012127, OMIM 608807.

Allele frequency attached by ClinVar (database versions not stated): ExAC 0.00001.
gnomAD v4.1: 2 of 1,609,248 alleles (0.00012%); highest among the groups gnomAD compares: Admixed American, 0.0017%; no homozygotes.

Submission:

Labcorp Genetics (formerly Invitae), Labcorp
Classification: Uncertain significance for Dilated cardiomyopathy 1G; Autosomal recessive limb-girdle muscular dystrophy type 2J. Last evaluated: 2024-04-17. Review status: criteria provided, single submitter. Criteria: Invitae Variant Classification Sherloc (09022015). Collection method: clinical testing. Allele origin: germline.
Comment: This sequence change replaces valine, which is neutral and non-polar, with methionine, which is neutral and non-polar, at codon 12094 of the TTN protein (p.Val12094Met). This variant also falls at the last nucleotide of exon 168, which is part of the consensus splice site for this exon. This variant is present in population databases (rs753213447, gnomAD 0.003%). This variant has not been reported in the literature in individuals affected with TTN-related conditions. Experimental studies and prediction algorithms are not available or were not evaluated, and the functional significance of this variant is currently unknown. Variants that disrupt the consensus splice site are a relatively common cause of aberrant splicing (PMID: 17576681, 9536098). Algorithms developed to predict the effect of sequence changes on RNA splicing suggest that this variant may disrupt the consensus splice site. This variant is located in the I band of TTN (PMID: 25589632). Non-truncating variants in this region may be clinically relevant, but have not been definitively shown to cause cardiomyopathy or neuromuscular disease (PMID: 27493940, 32778822). In summary, the available evidence is currently insufficient to determine the role of this variant in disease. Therefore, it has been classified as a Variant of Uncertain Significance.

Literature cited by the submitters: PubMed 17576681; PubMed 9536098; PubMed 25589632; PubMed 27493940; PubMed 32778822.